The following is an entry in ClinVar:

ClinVar aggregate classification (germline): Uncertain significance (1 of 4 stars; one submission).

Conditions:
Anophthalmia/microphthalmia-esophageal atresia syndrome (MCOPS3). Also called: SOX2 Disorder; MICROPHTHALMIA AND ESOPHAGEAL ATRESIA SYNDROME; AEG SYNDROME. Identifiers: Orphanet 77298, MedGen C1859773, MONDO:0008799, OMIM 206900.

gnomAD v4.1: 2 of 1,613,580 alleles (0.00012%); highest among the groups gnomAD compares: Non-Finnish European, 0.00017%; no homozygotes.

Submission:

Labcorp Genetics (formerly Invitae), Labcorp
Classification: Uncertain significance for Anophthalmia/microphthalmia-esophageal atresia syndrome. Last evaluated: 2023-06-07. Review status: criteria provided, single submitter. Criteria: Invitae Variant Classification Sherloc (09022015). Collection method: clinical testing. Allele origin: germline.
Comment: This sequence change replaces proline, which is neutral and non-polar, with leucine, which is neutral and non-polar, at codon 38 of the SOX2 protein (p.Pro38Leu). This variant is not present in population databases (gnomAD no frequency). This variant has not been reported in the literature in individuals affected with SOX2-related conditions. ClinVar contains an entry for this variant (Variation ID: 1350991). Advanced modeling of protein sequence and biophysical properties (such as structural, functional, and spatial information, amino acid conservation, physicochemical variation, residue mobility, and thermodynamic stability) performed at Invitae indicates that this missense variant is not expected to disrupt SOX2 protein function. In summary, the available evidence is currently insufficient to determine the role of this variant in disease. Therefore, it has been classified as a Variant of Uncertain Significance.

NM_003106.4(SOX2):c.113C>T (p.Pro38Leu)

Genes: SOX2-OT (SOX2 overlapping transcript; plus strand), SOX2 (SRY-box transcription factor 2; plus strand), LOC108281177 (SOX2 5' regulatory region; plus strand). Cytogenetic location: 3q26.33.
Variant type: single nucleotide variant.
Coding change: c.113C>T on transcript NM_003106.4 (MANE Select); coding-DNA position 113, C replaced by T.
Protein change: p.Pro38Leu; replaces proline 38 with leucine.
Molecular consequence: missense variant.
Genome position (GRCh38, 1-based): chr3:181,712,473, C>T. VCF-style: chr3-181712473-C-T. GRCh37 (hg19) VCF-style: chr3-181430261-C-T.
Other names: short protein forms P38L.
Identifiers: ClinVar variation 1350991 (VCV001350991.6), dbSNP rs2108521561, ClinGen allele CA355473149.